The following is an entry in ClinVar:

ClinVar aggregate classification (germline): Uncertain significance (1 of 4 stars; one submission).

Conditions:
Congenital myasthenic syndrome 20. Also called: Myasthenic syndrome, congenital, 20, presynaptic. Identifiers: MedGen C4310694, MONDO:0014939, OMIM 617143.
Neuronopathy, distal hereditary motor, type 7A. Also called: HARPER-YOUNG MYOPATHY; HMN VIIA; Neuronopathy, distal hereditary motor, type viia; NEURONOPATHY, DISTAL HEREDITARY MOTOR, HARDING TYPE VIIA; NEUROPATHY, DISTAL HEREDITARY MOTOR, HARDING TYPE VIIA; SPINAL MUSCULAR ATROPHY, DISTAL, WITH VOCAL CORD PARALYSIS. Identifiers: Orphanet 139589, MedGen C1834703, MONDO:0008024, OMIM 158580.

Allele frequency attached by ClinVar (database versions not stated): gnomAD exomes below 0.00001.
gnomAD v4.1: 1 of 1,613,848 alleles (0.000062%); highest among the groups gnomAD compares: East Asian, 0.0022%; no homozygotes.

Submission:

Labcorp Genetics (formerly Invitae), Labcorp
Classification: Uncertain significance for Neuronopathy, distal hereditary motor, type 7A; Congenital myasthenic syndrome 20. Last evaluated: 2020-03-18. Review status: criteria provided, single submitter. Criteria: Invitae Variant Classification Sherloc (09022015). Collection method: clinical testing. Allele origin: germline.
Comment: Algorithms developed to predict the effect of missense changes on protein structure and function are either unavailable or do not agree on the potential impact of this missense change (SIFT: "Tolerated"; PolyPhen-2: "Possibly Damaging"; Align-GVGD: "Class C0"). In summary, the available evidence is currently insufficient to determine the role of this variant in disease. Therefore, it has been classified as a Variant of Uncertain Significance. This variant has not been reported in the literature in individuals with SLC5A7-related conditions. This variant is not present in population databases (ExAC no frequency). This sequence change replaces tyrosine with cysteine at codon 473 of the SLC5A7 protein (p.Tyr473Cys). The tyrosine residue is moderately conserved and there is a large physicochemical difference between tyrosine and cysteine.

NM_021815.5(SLC5A7):c.1418A>G (p.Tyr473Cys)

Gene: SLC5A7 (solute carrier family 5 member 7; plus strand). Cytogenetic location: 2q12.3.
Variant type: single nucleotide variant.
Coding change: c.1418A>G on transcript NM_021815.5 (MANE Select); coding-DNA position 1418, A replaced by G.
Protein change: p.Tyr473Cys; replaces tyrosine 473 with cysteine.
Molecular consequence: missense variant.
Genome position (GRCh38, 1-based): chr2:108,010,536, A>G. VCF-style: chr2-108010536-A-G. GRCh37 (hg19) VCF-style: chr2-108626992-A-G.
Other names: c.1418A>G, p.Tyr473Cys (NM_001305005.3); c.1103A>G, p.Tyr368Cys (NM_001305006.3); c.677A>G, p.Tyr226Cys (NM_001305007.3); short protein forms Y226C, Y368C, Y473C.
Identifiers: ClinVar variation 1020129 (VCV001020129.5), dbSNP rs1323329132, ClinGen allele CA348114530.